The following is an entry in ClinVar:

NM_003640.5(ELP1):c.2170C>G (p.Leu724Val)

Gene: ELP1 (elongator acetyltransferase complex subunit 1; minus strand). Cytogenetic location: 9q31.3.
Variant type: single nucleotide variant.
Coding change: c.2170C>G on transcript NM_003640.5 (MANE Select); coding-DNA position 2170, C replaced by G.
Protein change: p.Leu724Val; replaces leucine 724 with valine.
Molecular consequence: missense variant.
Genome position (GRCh38, 1-based): chr9:108,899,856, G>C on the plus strand (C>G on the coding strand, the complement: ELP1 is on the minus strand). VCF-style: chr9-108899856-G-C. GRCh37 (hg19) VCF-style: chr9-111662136-G-C.
Other names: c.1828C>G, p.Leu610Val (NM_001318360.2); c.1123C>G, p.Leu375Val (NM_001330749.2); c.2170C>G (NM_003640.4); short protein forms L375V, L610V, L724V.
Identifiers: ClinVar variation 1799654 (VCV001799654.6), dbSNP rs150005243, ClinGen allele CA5174752.

ClinVar aggregate classification (germline): Uncertain significance. Review status: criteria provided, multiple submitters, no conflicts (2 of 4 stars). 5 submissions from 5 submitters: Uncertain significance (5). Last evaluated 2026-03-23.

Conditions:
Medulloblastoma (MDB). Also called: MEDULLOBLASTOMA PREDISPOSITION SYNDROME; Medulloblastoma, somatic. Identifiers: Orphanet 616, MedGen C0025149, MeSH D008527, MONDO:0007959, OMIM 155255, HP:0002885.
Familial dysautonomia. Also called: FD; HSAN III. Identifiers: Orphanet 1764, MedGen C0013364, MONDO:0009131, OMIM 223900. Disease mechanism: loss of function.
ELP1-related disorder. Also called: ELP1-related condition.

Allele frequency attached by ClinVar (database versions not stated): ExAC 0.00001; gnomAD 0.00002; TOPMed 0.00002; ESP Exome Variant Server 0.00015.
gnomAD v4.1: 30 of 1,613,948 alleles (0.0019%); highest among the groups gnomAD compares: Non-Finnish European, 0.0025%; no homozygotes.

Submissions (5):

PreventionGenetics, part of Exact Sciences
Classification: Uncertain significance for ELP1-related condition. Last evaluated: 2026-03-23. Review status: criteria provided, single submitter. Criteria: ACMG Guidelines, 2015. Collection method: clinical testing. Allele origin: germline.
Comment: The ELP1 c.2170C>G variant is predicted to result in the amino acid substitution p.Leu724Val. To our knowledge, this variant has not been reported in the literature. This variant is reported in 0.0040% of alleles in individuals of African descent in gnomAD. At this time, the clinical significance of this variant is uncertain due to the absence of conclusive functional and genetic evidence.

Fulgent Genetics
Classification: Uncertain significance for Medulloblastoma; Familial dysautonomia. Last evaluated: 2024-03-06. Review status: criteria provided, single submitter. Criteria: ACMG Guidelines, 2015. Collection method: clinical testing. Allele origin: germline.

Ambry Genetics
Classification: Uncertain significance. Last evaluated: 2023-09-29. Review status: criteria provided, single submitter. Criteria: Ambry Variant Classification Scheme 2023. Collection method: clinical testing. Allele origin: germline.

GeneDx
Classification: Uncertain significance. Last evaluated: 2022-06-21. Review status: criteria provided, single submitter. Criteria: GeneDx Variant Classification Process June 2021. Collection method: clinical testing. Allele origin: germline. Affected: yes.
Comment: Not observed at significant frequency in large population cohorts (gnomAD); In silico analysis supports that this missense variant has a deleterious effect on protein structure/function; Has not been previously published as pathogenic or benign to our knowledge

Labcorp Genetics (formerly Invitae), Labcorp
Classification: Uncertain significance. Last evaluated: 2021-08-13. Review status: criteria provided, single submitter. Criteria: Invitae Variant Classification Sherloc (09022015). Collection method: clinical testing. Allele origin: germline.
Comment: This sequence change replaces leucine with valine at codon 724 of the ELP1 protein (p.Leu724Val). The leucine residue is highly conserved and there is a small physicochemical difference between leucine and valine. This variant is present in population databases (rs150005243, ExAC 0.01%). This variant has not been reported in the literature in individuals affected with ELP1-related conditions. Algorithms developed to predict the effect of missense changes on protein structure and function are either unavailable or do not agree on the potential impact of this missense change (SIFT: "Deleterious"; PolyPhen-2: "Probably Damaging"; Align-GVGD: "Class C0"). In summary, the available evidence is currently insufficient to determine the role of this variant in disease. Therefore, it has been classified as a Variant of Uncertain Significance.